The following is an entry in ClinVar:

ClinVar aggregate classification (germline): Uncertain significance (1 of 4 stars; one submission).

Conditions:
Dyskeratosis congenita, autosomal dominant 6 (DKCA6). Identifiers: Orphanet 3322, MedGen C4225284, MONDO:0014690, OMIM 616553.

Submission:

Labcorp Genetics (formerly Invitae), Labcorp
Classification: Uncertain significance for Dyskeratosis congenita, autosomal dominant 6. Last evaluated: 2023-02-01. Review status: criteria provided, single submitter. Criteria: Invitae Variant Classification Sherloc (09022015). Collection method: clinical testing. Allele origin: germline.
Comment: This sequence change replaces alanine, which is neutral and non-polar, with aspartic acid, which is acidic and polar, at codon 410 of the ACD protein (p.Ala410Asp). This variant is not present in population databases (gnomAD no frequency). This variant has not been reported in the literature in individuals affected with ACD-related conditions. Advanced modeling of protein sequence and biophysical properties (such as structural, functional, and spatial information, amino acid conservation, physicochemical variation, residue mobility, and thermodynamic stability) performed at Invitae indicates that this missense variant is not expected to disrupt ACD protein function. In summary, the available evidence is currently insufficient to determine the role of this variant in disease. Therefore, it has been classified as a Variant of Uncertain Significance.

NM_001082486.2(ACD):c.971C>A (p.Ala324Asp)

Gene: ACD (ACD shelterin complex subunit and telomerase recruitment factor; minus strand). Cytogenetic location: 16q22.1.
Variant type: single nucleotide variant.
Coding change: c.971C>A on transcript NM_001082486.2 (MANE Select); coding-DNA position 971, C replaced by A.
Protein change: p.Ala324Asp; replaces alanine 324 with aspartic acid.
Molecular consequence: missense variant.
Genome position (GRCh38, 1-based): chr16:67,658,221, G>T on the plus strand (C>A on the coding strand, the complement: ACD is on the minus strand). VCF-style: chr16-67658221-G-T. GRCh37 (hg19) VCF-style: chr16-67692124-G-T.
Other names: c.884C>A, p.Ala295Asp (NM_001410884.1); c.962C>A, p.Ala321Asp (NM_022914.3); short protein forms A295D, A324D, A321D.
Identifiers: ClinVar variation 2781064 (VCV002781064.3), dbSNP rs1218445903, ClinGen allele CA396352623.